The following is an entry in ClinVar:

NM_130839.5(UBE3A):c.858C>G (p.Ile286Met)

Genes: SNHG14 (small nucleolar RNA host gene 14; plus strand), UBE3A (ubiquitin protein ligase E3A; minus strand). Cytogenetic location: 15q11.2.
Variant type: single nucleotide variant.
Coding change: c.858C>G on transcript NM_130839.5 (MANE Select); coding-DNA position 858, C replaced by G.
Protein change: p.Ile286Met; replaces isoleucine 286 with methionine.
Molecular consequence: missense variant. On other transcripts: non-coding transcript variant (1), intron variant (2).
Genome position (GRCh38, 1-based): chr15:25,371,316, G>C on the plus strand (C>G on the coding strand, the complement: UBE3A is on the minus strand). VCF-style: chr15-25371316-G-C. GRCh37 (hg19) VCF-style: chr15-25616463-G-C.
Other names: c.798C>G, p.Ile266Met (NM_001374461.1, NM_001354506.2, NM_001354507.2 and 17 more transcripts); c.867C>G, p.Ile289Met (NM_000462.5); c.858C>G, p.Ile286Met (NM_001354505.1, NM_001354538.2, NM_001354545.2); c.681C>G, p.Ile227Met (NM_001354546.2); c.301+4149C>G (NM_001354551.2); c.361+4149C>G (NM_001354550.2); short protein forms I227M, I266M, I286M, I289M.
Identifiers: ClinVar variation 3026724 (VCV003026724.22), dbSNP rs61740972, ClinGen allele CA391354916.

ClinVar aggregate classification (germline): Uncertain significance (1 of 4 stars; one submission).

Submission:

CeGaT Center for Human Genetics Tuebingen
Classification: Uncertain significance. Last evaluated: 2023-12-01. Review status: criteria provided, single submitter. Criteria: CeGaT Center For Human Genetics Tuebingen Variant Classification Criteria Version 2. Collection method: clinical testing. Allele origin: germline. Affected: yes. Observed: 1 variant allele.
Comment: UBE3A: PM2